The following is an entry in ClinVar:

ClinVar aggregate classification (germline): Likely benign. Review status: criteria provided, multiple submitters, no conflicts (2 of 4 stars). 2 submissions from 2 submitters: Likely benign (2). Last evaluated 2025-06-20.

Conditions:
GNAS-related disorder. Identifiers: MedGen CN380105.

gnomAD v4.1: 34 of 1,613,784 alleles (0.0021%); highest among the groups gnomAD compares: Non-Finnish European, 0.0026%; no homozygotes.

Submissions (2):

PreventionGenetics, part of Exact Sciences
Classification: Likely benign for GNAS-related condition. Last evaluated: 2025-06-20. Review status: criteria provided, single submitter. Criteria: ACMG Guidelines, 2015. Collection method: clinical testing. Allele origin: germline.
Comment: This variant is classified as likely benign based on ACMG/AMP sequence variant interpretation guidelines (Richards et al. 2015 PMID: 25741868, with internal and published modifications).

Blueprint Genetics
Classification: Likely benign. Last evaluated: 2024-06-25. Review status: criteria provided, single submitter. Criteria: ACMG Guidelines, 2015. Collection method: clinical testing. Allele origin: germline.

NM_000516.7(GNAS):c.408C>T (p.Asn136=)

Gene: GNAS (GNAS complex locus; plus strand). Cytogenetic location: 20q13.32.
Variant type: single nucleotide variant.
Coding change: c.408C>T on transcript NM_000516.7 (MANE Select); coding-DNA position 408, C replaced by T.
Protein change: p.Asn136=; no amino-acid change (asparagine 136 retained).
Molecular consequence: synonymous variant. On other transcripts: 3 prime UTR variant (2).
Genome position (GRCh38, 1-based): chr20:58,903,767, C>T. VCF-style: chr20-58903767-C-T. GRCh37 (hg19) VCF-style: chr20-57478822-C-T.
Other names: c.408C>T (NM_000516.5); c.411C>T, p.Asn137= (NM_001077488.5); c.363C>T, p.Asn121= (NM_001077489.4); c.*269C>T (NM_001077490.3); c.231C>T, p.Asn77= (NM_001309840.2, NM_001309861.2, NM_001438276.1 and 1 more transcripts); c.312C>T, p.Asn104= (NM_001410912.1); c.2292C>T, p.Asn764= (NM_001410913.1); c.186C>T, p.Asn62= (NM_001438273.1, NM_001438274.1, NM_001438275.1); and 3 more.
Identifiers: ClinVar variation 4945483 (VCV004945483.2).